The following is an entry in ClinVar:

ClinVar aggregate classification (germline): Uncertain significance (1 of 4 stars; one submission).

Conditions:
Autosomal recessive limb-girdle muscular dystrophy type 2J (LGMDR10). Also called: Limb-girdle muscular dystrophy, type 2J; MUSCULAR DYSTROPHY, LIMB-GIRDLE, AUTOSOMAL RECESSIVE 10. Identifiers: Orphanet 140922, MedGen C1837342, MONDO:0012127, OMIM 608807.
Dilated cardiomyopathy 1G (CMD1G). Identifiers: Orphanet 154, MedGen C1858763, MONDO:0011400, OMIM 604145.

Submission:

Labcorp Genetics (formerly Invitae), Labcorp
Classification: Uncertain significance for Dilated cardiomyopathy 1G; Autosomal recessive limb-girdle muscular dystrophy type 2J. Last evaluated: 2025-04-02. Review status: criteria provided, single submitter. Criteria: Invitae Variant Classification Sherloc (09022015). Collection method: clinical testing. Allele origin: germline.
Comment: This sequence change falls in intron 52 of the TTN gene. It does not directly change the encoded amino acid sequence of the TTN protein. It affects a nucleotide within the consensus splice site. This variant is not present in population databases (gnomAD no frequency). This variant has not been reported in the literature in individuals affected with TTN-related conditions. ClinVar contains an entry for this variant (Variation ID: 2165904). Variants that disrupt the consensus splice site are a relatively common cause of aberrant splicing (PMID: 17576681, 9536098). Algorithms developed to predict the effect of sequence changes on RNA splicing suggest that this variant is not likely to affect RNA splicing. This variant is located in the I band of TTN (PMID: 25589632). Non-truncating variants in this region may be clinically relevant, but have not been definitively shown to cause cardiomyopathy or neuromuscular disease (PMID: 27493940, 32778822). In summary, the available evidence is currently insufficient to determine the role of this variant in disease. Therefore, it has been classified as a Variant of Uncertain Significance.

Literature cited by the submitters: PubMed 17576681; PubMed 9536098; PubMed 25589632; PubMed 27493940; PubMed 32778822.

NM_001267550.2(TTN):c.15496+4A>G

Gene: TTN (titin; minus strand). Cytogenetic location: 2q31.2.
Variant type: single nucleotide variant.
Coding change: c.15496+4A>G on transcript NM_001267550.2 (MANE Select); 4 bases into the intron after coding-DNA position 15496, A replaced by G.
Molecular consequence: intron variant.
Genome position (GRCh38, 1-based): chr2:178,734,324, T>C on the plus strand (A>G on the coding strand, the complement: TTN is on the minus strand). VCF-style: chr2-178734324-T-C. GRCh37 (hg19) VCF-style: chr2-179599051-T-C.
Other names: c.13282+3758A>G (NM_003319.4); c.13858+3758A>G (NM_133437.4); c.13657+3758A>G (NM_133432.3); c.11764+4A>G (NM_133378.4); c.14545+4A>G (NM_001256850.1).
Identifiers: ClinVar variation 2165904 (VCV002165904.4), dbSNP rs2530264732, ClinGen allele CA2577174381.